The following is an entry in ClinVar:

NM_001122752.2(SERPINI1):c.1173G>C (p.Met391Ile)

Gene: SERPINI1 (serpin family I member 1; plus strand). Cytogenetic location: 3q26.1.
Variant type: single nucleotide variant.
Coding change: c.1173G>C on transcript NM_001122752.2 (MANE Select); coding-DNA position 1173, G replaced by C.
Protein change: p.Met391Ile; replaces methionine 391 with isoleucine.
Molecular consequence: missense variant.
Genome position (GRCh38, 1-based): chr3:167,825,263, G>C. VCF-style: chr3-167825263-G-C. GRCh37 (hg19) VCF-style: chr3-167543051-G-C.
Other names: c.1173G>C, p.Met391Ile (NM_005025.5); short protein forms M391I.
Identifiers: ClinVar variation 1056218 (VCV001056218.9), dbSNP rs1370761997, ClinGen allele CA355158039.

ClinVar aggregate classification (germline): Uncertain significance (1 of 4 stars; one submission).

Conditions:
Familial encephalopathy with neuroserpin inclusion bodies. Also called: ENCEPHALOPATHY, FAMILIAL, WITH COLLINS BODIES. Identifiers: Orphanet 85110, MedGen C1858680, MONDO:0011412, OMIM 604218.

Submission:

Labcorp Genetics (formerly Invitae), Labcorp
Classification: Uncertain significance for Familial encephalopathy with neuroserpin inclusion bodies. Last evaluated: 2023-12-11. Review status: criteria provided, single submitter. Criteria: Invitae Variant Classification Sherloc (09022015). Collection method: clinical testing. Allele origin: germline.
Comment: This sequence change replaces methionine, which is neutral and non-polar, with isoleucine, which is neutral and non-polar, at codon 391 of the SERPINI1 protein (p.Met391Ile). This variant is not present in population databases (gnomAD no frequency). This variant has not been reported in the literature in individuals affected with SERPINI1-related conditions. ClinVar contains an entry for this variant (Variation ID: 1056218). Advanced modeling of protein sequence and biophysical properties (such as structural, functional, and spatial information, amino acid conservation, physicochemical variation, residue mobility, and thermodynamic stability) performed at Invitae indicates that this missense variant is not expected to disrupt SERPINI1 protein function with a negative predictive value of 80%. In summary, the available evidence is currently insufficient to determine the role of this variant in disease. Therefore, it has been classified as a Variant of Uncertain Significance.